The following is an entry in ClinVar:

NM_003690.5(PRKRA):c.*200G>A

Genes: CHROMR (cholesterol induced regulator of metabolism RNA; plus strand), PRKRA (protein activator of interferon induced protein kinase EIF2AK2; minus strand). Cytogenetic location: 2q31.2.
Variant type: single nucleotide variant.
Coding change: c.*200G>A on transcript NM_003690.5 (MANE Select); 200 bases downstream of the stop codon, G replaced by A.
Molecular consequence: 3 prime UTR variant.
Genome position (GRCh38, 1-based): chr2:178,431,897, C>T on the plus strand (G>A on the coding strand, the complement: PRKRA is on the minus strand). VCF-style: chr2-178431897-C-T. GRCh37 (hg19) VCF-style: chr2-179296624-C-T.
Other names: c.*200G>A (NM_001139517.2, NM_001139518.2, NM_001316362.2).
Identifiers: ClinVar variation 894034 (VCV000894034.7), dbSNP rs141995027, ClinGen allele CA60962674.
Genomic context (GRCh38, chr2:178,431,897, plus strand): 5'-TGTGCATGGCACTGTAAAATGGGTGCTACACTCTCTCTTGTGGTACAAAGTTTATAAATA[C>T]AGTATACTGATACAAAGTTGAAGCCATTAAAAAGAGCTTAATAACAACTATGAGGAGATA-3'

ClinVar aggregate classification (germline): Benign/Likely benign. Review status: criteria provided, multiple submitters, no conflicts (2 of 4 stars). 3 submissions from 3 submitters: Benign (1); Likely benign (2). Last evaluated 2018-07-09.

Conditions:
Dystonia 16 (DYT16). Also called: DYT-PRKRA. Identifiers: Orphanet 210571, MedGen C2677567, MONDO:0012789, OMIM 612067.

Allele frequency attached by ClinVar (database versions not stated): 1000 Genomes Project 0.01398; gnomAD 0.01989 and 0.01961; 1000 Genomes Project 30x 0.01655.
gnomAD v4.1: 13,454 of 665,466 alleles (2%); highest among the groups gnomAD compares: Middle Eastern, 2.6%; no homozygotes.

Submissions (3):

GeneDx
Classification: Likely benign. Last evaluated: 2018-07-09. Review status: criteria provided, single submitter. Criteria: GeneDx Variant Classification Process June 2021. Collection method: clinical testing. Allele origin: germline. Affected: yes.

Illumina Laboratory Services, Illumina
Classification: Benign for Dystonia 16. Last evaluated: 2018-01-12. Review status: criteria provided, single submitter. Criteria: ICSL Variant Classification Criteria 13 December 2019. Collection method: clinical testing. Allele origin: germline.
Comment: This variant was observed in the ICSL laboratory as part of a predisposition screen in an ostensibly healthy population. It had not been previously curated by ICSL or reported in the Human Gene Mutation Database (HGMD: prior to June 1st, 2018), and was therefore a candidate for classification through an automated scoring system. Utilizing variant allele frequency, disease prevalence and penetrance estimates, and inheritance mode, an automated score was calculated to assess if this variant is too frequent to cause the disease. Based on the score and internal cut-off values, a variant classified as benign is not then subjected to further curation. The score for this variant resulted in a classification of benign for this disease.

Breakthrough Genomics
Classification: Likely benign. Review status: criteria provided, single submitter. Criteria: ACMG Guidelines, 2015. Collection method: not provided. Allele origin: germline. Inheritance: Autosomal recessive inheritance. Affected: yes.